The following is an entry in ClinVar:

ClinVar aggregate classification (germline): Uncertain significance. Review status: reviewed by expert panel (3 of 4 stars). 3 submissions from 3 submitters: Uncertain significance (1). 2 of the submissions do not count toward it. Last evaluated 2025-07-29.

Conditions:
Neuromuscular disease caused by qualitative or quantitative defects of dysferlin. Also called: Qualitative or quantitative defects of dysferlin; Dysferlinopathy. Identifiers: Orphanet 207073, MedGen C2931687, MONDO:0016145.
Autosomal recessive limb-girdle muscular dystrophy. Identifiers: Orphanet 102015, MedGen C2931907, MONDO:0015152.

Submissions (3):

ClinGen Limb Girdle Muscular Dystrophy Variant Curation Expert Panel, ClinGen
Classification: Uncertain significance for Autosomal recessive limb-girdle muscular dystrophy. Last evaluated: 2025-07-29. Review status: reviewed by expert panel. Criteria: ClinGen LGMD VCEP ACMG Specifications DYSF V1.0.0. Collection method: curation. Allele origin: germline. Inheritance: Autosomal recessive inheritance.
Comment: The NM_003494.4: c.4526T>G variant in DYSF, which is also known as NM_001130987.2: c.4643T>G p.(Leu1548Arg), is a missense variant predicted to cause substitution of leucine by arginine at amino acid 1509, p.(Leu1509Arg). In two unrelated individuals with LGMD, this variant has been observed in unknown phase with the NM_003494.4: c.4024C>T p.(Arg1342Trp) variant, which is classified as pathogenic by the LGMD VCEP (PMID: 36983702; ClinVar SCV003223254.2). Each of these patients had a third variant in DYSF that was also classified as likely pathogenic or pathogenic, suggesting c.4526T>G p.(Leu1509Arg) likely occurred in cis with c.4024C>T p.(Arg1342Trp), but phase was not confirmed (BP2, PP4, PM3 not met). This variant is absent from gnomAD v2.1.1 and v4.1.0 (PM2_Supporting). The computational predictor REVEL gives a score of 0.84, which is above the LGMD VCEP threshold of 0.70, evidence that correlates with impact to DYSF function (PP3). In summary, due to the limited evidence available, this variant is classified as a variant of uncertain significance for autosomal recessive limb girdle muscular dystrophy based on the ACMG/AMP criteria applied, as specified by the ClinGen LGMD VCEP (LGMD VCEP specifications version 1.0.0; 07/29/2025): PM2_Supporting, PP3.

Revvity Omics, Revvity
Classification: Uncertain significance. Last evaluated: 2023-09-18. Review status: criteria provided, single submitter. Criteria: ACMG Guidelines, 2015. Collection method: clinical testing. Allele origin: germline. Not counted in ClinVar's aggregate classification.

Labcorp Genetics (formerly Invitae), Labcorp
Classification: Uncertain significance for Neuromuscular disease caused by qualitative or quantitative defects of dysferlin. Last evaluated: 2022-06-04. Review status: criteria provided, single submitter. Criteria: Invitae Variant Classification Sherloc (09022015). Collection method: clinical testing. Allele origin: germline. Not counted in ClinVar's aggregate classification.
Comment: In summary, the available evidence is currently insufficient to determine the role of this variant in disease. Therefore, it has been classified as a Variant of Uncertain Significance. Advanced modeling of protein sequence and biophysical properties (such as structural, functional, and spatial information, amino acid conservation, physicochemical variation, residue mobility, and thermodynamic stability) performed at Invitae indicates that this missense variant is expected to disrupt DYSF protein function. This variant has not been reported in the literature in individuals affected with DYSF-related conditions. This variant is not present in population databases (gnomAD no frequency). This sequence change replaces leucine, which is neutral and non-polar, with arginine, which is basic and polar, at codon 1509 of the DYSF protein (p.Leu1509Arg).

NM_001130987.2(DYSF):c.4643T>G (p.Leu1548Arg)

Gene: DYSF (dysferlin; plus strand). Cytogenetic location: 2p13.2.
Variant type: single nucleotide variant.
Coding change: c.4643T>G on transcript NM_001130987.2 (MANE Select); coding-DNA position 4643, T replaced by G.
Protein change: p.Leu1548Arg; replaces leucine 1548 with arginine.
Molecular consequence: missense variant.
Genome position (GRCh38, 1-based): chr2:71,656,178, T>G. VCF-style: chr2-71656178-T-G. GRCh37 (hg19) VCF-style: chr2-71883308-T-G.
Other names: NM_001130987.2(DYSF):c.4643T>G; p.Leu1548Arg; c.4526T>G (NM_003494.3); c.4529T>G, p.Leu1510Arg (NM_001130455.2); c.4484T>G, p.Leu1495Arg (NM_001130976.2); c.4547T>G, p.Leu1516Arg (NM_001130977.2); c.4589T>G, p.Leu1530Arg (NM_001130978.2); c.4619T>G, p.Leu1540Arg (NM_001130979.2); and 8 more; short protein forms L1495R, L1509R, L1530R, L1541R, L1517R, L1548R, L1516R, L1531R.
Identifiers: ClinVar variation 2018639 (VCV002018639.7), dbSNP rs2546474595, ClinGen allele CA347219330.